The following is an entry in ClinVar:

NM_001972.4(ELANE):c.803G>C (p.Ter268Ser)

Gene: ELANE (elastase, neutrophil expressed; plus strand). Cytogenetic location: 19p13.3.
Variant type: single nucleotide variant.
Coding change: c.803G>C on transcript NM_001972.4 (MANE Select); coding-DNA position 803, G replaced by C.
Protein change: p.Ter268Ser.
Molecular consequence: stop lost.
Genome position (GRCh38, 1-based): chr19:856,163, G>C. VCF-style: chr19-856163-G-C. GRCh37 (hg19) VCF-style: chr19-856163-G-C.
Identifiers: ClinVar variation 2928959 (VCV002928959.3), dbSNP rs2512169617, ClinGen allele CA402919591.

ClinVar aggregate classification (germline): Uncertain significance (1 of 4 stars; one submission).

Conditions:
Neutropenia, severe congenital, 1, autosomal dominant. Identifiers: MedGen C1859966, MONDO:0042490, OMIM 202700.
Cyclical neutropenia. Also called: Cyclic Neutropenia; Cyclic hematopoiesis. Identifiers: Orphanet 2686, MedGen C0221023, MONDO:0008090, OMIM 162800, HP:0040289. Disease mechanism: loss of function.

Submission:

Labcorp Genetics (formerly Invitae), Labcorp
Classification: Uncertain significance for Neutropenia, severe congenital, 1, autosomal dominant; Cyclical neutropenia. Last evaluated: 2023-10-24. Review status: criteria provided, single submitter. Criteria: Invitae Variant Classification Sherloc (09022015). Collection method: clinical testing. Allele origin: germline.
Comment: This sequence change disrupts the translational stop signal of the ELANE mRNA. It is expected to extend the length of the ELANE protein by 28 additional amino acid residues. This variant is not present in population databases (gnomAD no frequency). This variant has not been reported in the literature in individuals affected with ELANE-related conditions. Experimental studies and prediction algorithms are not available or were not evaluated, and the functional significance of this variant is currently unknown. In summary, the available evidence is currently insufficient to determine the role of this variant in disease. Therefore, it has been classified as a Variant of Uncertain Significance.